The following is an entry in ClinVar:

ClinVar aggregate classification (germline): Uncertain significance (1 of 4 stars; one submission).

Conditions:
Inborn genetic diseases. Identifiers: MedGen C0950123, MeSH D030342.

gnomAD v4.1: 19 of 1,613,784 alleles (0.0012%); highest among the groups gnomAD compares: Non-Finnish European, 0.0014%; no homozygotes.

Submission:

Ambry Genetics
Classification: Uncertain significance for Inborn genetic diseases. Last evaluated: 2025-10-06. Review status: criteria provided, single submitter. Criteria: Ambry Variant Classification Scheme 2023. Collection method: clinical testing. Allele origin: germline.
Comment: The c.2014A>T (p.T672S) alteration is located in exon 10 (coding exon 10) of the TENM3 gene. This alteration results from a A to T substitution at nucleotide position 2014, causing the threonine (T) at amino acid position 672 to be replaced by a serine (S). Based on data from gnomAD, the T allele has an overall frequency of 0.003% (7/249186) total alleles studied. The highest observed frequency was 0.006% (7/112950) of European (non-Finnish) alleles. Based on insufficient or conflicting evidence, the clinical significance of this alteration remains unclear.

NM_001080477.4(TENM3):c.2014A>T (p.Thr672Ser)

Gene: TENM3 (teneurin transmembrane protein 3; plus strand). Cytogenetic location: 4q35.1.
Variant type: single nucleotide variant.
Coding change: c.2014A>T on transcript NM_001080477.4 (MANE Select); coding-DNA position 2014, A replaced by T.
Protein change: p.Thr672Ser; replaces threonine 672 with serine.
Molecular consequence: missense variant.
Genome position (GRCh38, 1-based): chr4:182,681,993, A>T. VCF-style: chr4-182681993-A-T. GRCh37 (hg19) VCF-style: chr4-183603146-A-T.
Other names: c.1198A>T, p.Thr400Ser (NM_001415960.1, NM_001415961.1, NM_001415962.1 and 2 more transcripts); c.1735A>T, p.Thr579Ser (NM_001415966.1, NM_001415967.1, NM_001415976.1 and 1 more transcripts); c.2014A>T, p.Thr672Ser (NM_001415968.1, NM_001415969.1, NM_001415970.1 and 4 more transcripts); short protein forms T400S, T579S, T672S.
Identifiers: ClinVar variation 4632970 (VCV004632970.1).